The following is an entry in ClinVar:

ClinVar aggregate classification (germline): Benign. Review status: criteria provided, multiple submitters, no conflicts (2 of 4 stars). 9 submissions from 9 submitters: Benign (6). 3 of the submissions do not count toward it. Last evaluated 2026-02-04.

Conditions:
Hereditary spastic paraplegia 54. Also called: Spastic paraplegia 54, autosomal recessive. Identifiers: Orphanet 320380, MedGen C3539495, MONDO:0014018, OMIM 615033.
Hereditary spastic paraplegia. Also called: Familial spastic paraparesis. Identifiers: Orphanet 685, MedGen C0037773, MONDO:0019064. Disease mechanism: loss of function.

Allele frequency attached by ClinVar (database versions not stated): 1000 Genomes Project 30x 0.16490; 1000 Genomes Project 0.17173; ESP Exome Variant Server 0.17484; gnomAD 0.17541 and 0.17582; TOPMed 0.17956; ExAC 0.20032; gnomAD exomes 0.20361 and 0.22524.

Submissions (9):

Labcorp Genetics (formerly Invitae), Labcorp
Classification: Benign for Hereditary spastic paraplegia 54. Last evaluated: 2026-02-04. Review status: criteria provided, single submitter. Criteria: Invitae Variant Classification Sherloc (09022015). Collection method: clinical testing. Allele origin: germline.

Genome-Nilou Lab
Classification: Benign for Hereditary spastic paraplegia 54. Last evaluated: 2021-07-30. Review status: criteria provided, single submitter. Criteria: ACMG Guidelines, 2015. Collection method: clinical testing. Allele origin: germline. Affected: no.

Mayo Clinic Laboratories, Mayo Clinic
Classification: Benign. Last evaluated: 2017-07-24. Review status: criteria provided, single submitter. Criteria: ACMG Guidelines, 2015. Collection method: clinical testing. Allele origin: germline. Observed: 350 variant alleles.

Genome Diagnostics Laboratory, The Hospital for Sick Children
Classification: Benign for Hereditary spastic paraplegia. Last evaluated: 2016-12-12. Review status: criteria provided, single submitter. Criteria: ACMG Guidelines, 2015. Collection method: clinical testing. Allele origin: germline. Affected: yes.

GeneDx
Classification: Benign. Last evaluated: 2015-12-22. Review status: criteria provided, single submitter. Criteria: GeneDx Variant Classification (06012015). Collection method: clinical testing. Allele origin: germline. Affected: yes.
Comment: This variant is considered likely benign or benign based on one or more of the following criteria: it is a conservative change, it occurs at a poorly conserved position in the protein, it is predicted to be benign by multiple in silico algorithms, and/or has population frequency not consistent with disease.

Breakthrough Genomics
Classification: Benign. Review status: criteria provided, single submitter. Criteria: ACMG Guidelines, 2015. Collection method: not provided. Allele origin: germline. Inheritance: Autosomal recessive inheritance. Affected: yes.

Clinical Genetics DNA and cytogenetics Diagnostics Lab, Erasmus MC, Erasmus Medical Center
Classification: Likely benign. Review status: no assertion criteria provided. Collection method: clinical testing. Allele origin: germline. Affected: yes. Study: VKGL Data-share Consensus. Not counted in ClinVar's aggregate classification.

Genetic Services Laboratory, University of Chicago
Classification: Likely benign for AllHighlyPenetrant. Review status: no assertion criteria provided. Collection method: clinical testing. Allele origin: germline. Inheritance: Autosomal recessive inheritance. Not counted in ClinVar's aggregate classification.
Comment: Likely benign based on allele frequency in 1000 Genomes Project or ESP global frequency and its presence in a patient with a rare or unrelated disease phenotype. NOT Sanger confirmed.

Joint Genome Diagnostic Labs from Nijmegen and Maastricht, Radboudumc and MUMC+
Classification: Benign. Review status: no assertion criteria provided. Collection method: clinical testing. Allele origin: germline. Affected: yes. Study: VKGL Data-share Consensus. Not counted in ClinVar's aggregate classification.

NM_015214.3(DDHD2):c.557C>T (p.Thr186Met)

Gene: DDHD2 (DDHD domain containing 2; plus strand). Cytogenetic location: 8p11.23.
Variant type: single nucleotide variant.
Coding change: c.557C>T on transcript NM_015214.3 (MANE Select); coding-DNA position 557, C replaced by T.
Protein change: p.Thr186Met; replaces threonine 186 with methionine.
Molecular consequence: missense variant. On other transcripts: non-coding transcript variant (2).
Genome position (GRCh38, 1-based): chr8:38,238,144, C>T. VCF-style: chr8-38238144-C-T. GRCh37 (hg19) VCF-style: chr8-38095662-C-T.
Other names: c.557C>T, p.Thr186Met (NM_001164232.2, NM_001164234.2, NM_001362911.2 and 3 more transcripts); short protein forms T186M.
Identifiers: ClinVar variation 128893 (VCV000128893.24), dbSNP rs2306899, ClinGen allele CA152565.